The following is an entry in ClinVar:

NM_021815.5(SLC5A7):c.401C>T (p.Ala134Val)

Gene: SLC5A7 (solute carrier family 5 member 7; plus strand). Cytogenetic location: 2q12.3.
Variant type: single nucleotide variant.
Coding change: c.401C>T on transcript NM_021815.5 (MANE Select); coding-DNA position 401, C replaced by T.
Protein change: p.Ala134Val; replaces alanine 134 with valine.
Molecular consequence: missense variant. On other transcripts: 5 prime UTR variant (1).
Genome position (GRCh38, 1-based): chr2:107,993,080, C>T. VCF-style: chr2-107993080-C-T. GRCh37 (hg19) VCF-style: chr2-108609536-C-T.
Other names: c.401C>T, p.Ala134Val (NM_001305005.3); c.86C>T, p.Ala29Val (NM_001305006.3); c.-304C>T (NM_001305007.3); short protein forms A134V, A29V.
Identifiers: ClinVar variation 2690029 (VCV002690029.3), dbSNP rs974644154, ClinGen allele CA53409376.
Genomic context (GRCh38, chr2:107,993,080, plus strand): 5'-TGTTAGACCCGTTTCAGCAAATCTATGGAAAACGCATGGGCGGACTCCTGTTTATTCCTG[C>T]ACTGATGGGAGAAATGTTCTGGGCTGCAGCAATTTTCTCTGCTTTGGGTAAGGACCAGCT-3'
Protein context (NP_068587.1, residues 124-144): KRMGGLLFIP[Ala134Val]LMGEMFWAAA

ClinVar aggregate classification (germline): Uncertain significance. Review status: criteria provided, multiple submitters, no conflicts (2 of 4 stars). 2 submissions from 2 submitters: Uncertain significance (2). Last evaluated 2023-10-13.

Conditions:
Congenital myasthenic syndrome 20. Also called: Myasthenic syndrome, congenital, 20, presynaptic. Identifiers: MedGen C4310694, MONDO:0014939, OMIM 617143.
Neuronopathy, distal hereditary motor, type 7A. Also called: HARPER-YOUNG MYOPATHY; HMN VIIA; Neuronopathy, distal hereditary motor, type viia; NEURONOPATHY, DISTAL HEREDITARY MOTOR, HARDING TYPE VIIA; NEUROPATHY, DISTAL HEREDITARY MOTOR, HARDING TYPE VIIA; Neuronopathy, distal hereditary motor, autosomal dominant 7. Identifiers: Orphanet 139589, MedGen C1834703, MONDO:0008024, OMIM 158580.

Allele frequency attached by ClinVar (database versions not stated): gnomAD 0.00001; gnomAD exomes 0.00001.
gnomAD v4.1: 12 of 1,614,086 alleles (0.00074%); highest among the groups gnomAD compares: African/African-American, 0.0013%; no homozygotes.

Submissions (2):

Labcorp Genetics (formerly Invitae), Labcorp
Classification: Uncertain significance for Neuronopathy, distal hereditary motor, type 7A; Congenital myasthenic syndrome 20. Last evaluated: 2023-10-13. Review status: criteria provided, single submitter. Criteria: Invitae Variant Classification Sherloc (09022015). Collection method: clinical testing. Allele origin: germline.
Comment: This sequence change replaces alanine, which is neutral and non-polar, with valine, which is neutral and non-polar, at codon 134 of the SLC5A7 protein (p.Ala134Val). This variant is present in population databases (no rsID available, gnomAD 0.002%). This variant has not been reported in the literature in individuals affected with SLC5A7-related conditions. Advanced modeling of protein sequence and biophysical properties (such as structural, functional, and spatial information, amino acid conservation, physicochemical variation, residue mobility, and thermodynamic stability) performed at Invitae indicates that this missense variant is not expected to disrupt SLC5A7 protein function. In summary, the available evidence is currently insufficient to determine the role of this variant in disease. Therefore, it has been classified as a Variant of Uncertain Significance.

Revvity Omics, Revvity
Classification: Uncertain significance. Last evaluated: 2023-04-26. Review status: criteria provided, single submitter. Criteria: ACMG Guidelines, 2015. Collection method: clinical testing. Allele origin: germline.